The following is an entry in ClinVar:

NM_033056.4(PCDH15):c.4555G>A (p.Glu1519Lys)

Gene: PCDH15 (protocadherin related 15; minus strand). Cytogenetic location: 10q21.1.
Variant type: single nucleotide variant.
Coding change: c.4555G>A on transcript NM_033056.4 (MANE Plus Clinical); coding-DNA position 4555, G replaced by A.
Protein change: p.Glu1519Lys; replaces glutamic acid 1519 with lysine.
Molecular consequence: missense variant. On other transcripts: intron variant (8).
Genome position (GRCh38, 1-based): chr10:53,823,171, C>T on the plus strand (G>A on the coding strand, the complement: PCDH15 is on the minus strand). VCF-style: chr10-53823171-C-T. GRCh37 (hg19) VCF-style: chr10-55582931-C-T.
Other names: c.4576G>A, p.Glu1526Lys (NM_001142763.2); c.4561G>A, p.Glu1521Lys (NM_001142764.2); c.4348G>A, p.Glu1450Lys (NM_001142765.2); c.4546G>A, p.Glu1516Lys (NM_001142766.2); c.4435G>A, p.Glu1479Lys (NM_001142767.2); c.4495G>A, p.Glu1499Lys (NM_001142768.2); c.4486G>A, p.Glu1496Lys (NM_001142773.2); c.4489G>A, p.Glu1497Lys (NM_001354404.2); and 6 more; short protein forms E1479K, E1526K, E1496K, E1499K, E1516K, E1450K, E1497K, E1519K.
Identifiers: ClinVar variation 1409537 (VCV001409537.6), dbSNP rs2132509071, ClinGen allele CA376527082.

ClinVar aggregate classification (germline): Uncertain significance (1 of 4 stars; one submission).

Allele frequency attached by ClinVar (database versions not stated): gnomAD exomes below 0.00001.
gnomAD v4.1: 2 of 1,614,032 alleles (0.00012%); highest among the groups gnomAD compares: South Asian, 0.0011%; no homozygotes.

Submission:

Labcorp Genetics (formerly Invitae), Labcorp
Classification: Uncertain significance. Last evaluated: 2022-11-08. Review status: criteria provided, single submitter. Criteria: Invitae Variant Classification Sherloc (09022015). Collection method: clinical testing. Allele origin: germline.
Comment: ClinVar contains an entry for this variant (Variation ID: 1409537). Algorithms developed to predict the effect of missense changes on protein structure and function (SIFT, PolyPhen-2, Align-GVGD) all suggest that this variant is likely to be tolerated. In summary, the available evidence is currently insufficient to determine the role of this variant in disease. Therefore, it has been classified as a Variant of Uncertain Significance. This variant has not been reported in the literature in individuals affected with PCDH15-related conditions. This sequence change replaces glutamic acid, which is acidic and polar, with lysine, which is basic and polar, at codon 1519 of the PCDH15 protein (p.Glu1519Lys). This variant is not present in population databases (gnomAD no frequency).